The following is an entry in ClinVar:

ClinVar aggregate classification (germline): Uncertain significance (1 of 4 stars; one submission).

Allele frequency attached by ClinVar (database versions not stated): gnomAD exomes below 0.00001.
gnomAD v4.1: 2 of 1,614,030 alleles (0.00012%); highest among the groups gnomAD compares: South Asian, 0.0011%; no homozygotes.

Submission:

Labcorp Genetics (formerly Invitae), Labcorp
Classification: Uncertain significance. Last evaluated: 2023-02-27. Review status: criteria provided, single submitter. Criteria: Invitae Variant Classification Sherloc (09022015). Collection method: clinical testing. Allele origin: germline.
Comment: In summary, the available evidence is currently insufficient to determine the role of this variant in disease. Therefore, it has been classified as a Variant of Uncertain Significance. Advanced modeling of protein sequence and biophysical properties (such as structural, functional, and spatial information, amino acid conservation, physicochemical variation, residue mobility, and thermodynamic stability) has been performed at Invitae for this missense variant, however the output from this modeling did not meet the statistical confidence thresholds required to predict the impact of this variant on DSG1 protein function. This variant has not been reported in the literature in individuals affected with DSG1-related conditions. This variant is not present in population databases (gnomAD no frequency). This sequence change replaces alanine, which is neutral and non-polar, with threonine, which is neutral and polar, at codon 409 of the DSG1 protein (p.Ala409Thr).

NM_001942.4(DSG1):c.1225G>A (p.Ala409Thr)

Gene: DSG1 (desmoglein 1; plus strand). Cytogenetic location: 18q12.1.
Variant type: single nucleotide variant.
Coding change: c.1225G>A on transcript NM_001942.4 (MANE Select); coding-DNA position 1225, G replaced by A.
Protein change: p.Ala409Thr; replaces alanine 409 with threonine.
Molecular consequence: missense variant.
Genome position (GRCh38, 1-based): chr18:31,336,573, G>A. VCF-style: chr18-31336573-G-A. GRCh37 (hg19) VCF-style: chr18-28916536-G-A.
Other names: short protein forms A409T.
Identifiers: ClinVar variation 3008839 (VCV003008839.3), dbSNP rs2510834460, ClinGen allele CA402134323.